The following is an entry in ClinVar:

NM_152468.5(TMC8):c.1883T>C (p.Leu628Pro)

Gene: TMC8 (transmembrane channel like 8; plus strand). Cytogenetic location: 17q25.3.
Variant type: single nucleotide variant.
Coding change: c.1883T>C on transcript NM_152468.5 (MANE Select); coding-DNA position 1883, T replaced by C.
Protein change: p.Leu628Pro; replaces leucine 628 with proline.
Molecular consequence: missense variant.
Genome position (GRCh38, 1-based): chr17:78,139,221, T>C. VCF-style: chr17-78139221-T-C. GRCh37 (hg19) VCF-style: chr17-76135302-T-C.
Other names: short protein forms L628P.
Identifiers: ClinVar variation 1465147 (VCV001465147.6), dbSNP rs2145722630, ClinGen allele CA401253097.
Genomic context (GRCh38, chr17:78,139,221, plus strand): 5'-GCCTTGTCCTGACGGTGTGCGTCTCCCAGACCCAGGCCAATGCCAGGGCCATCCACAGGC[T>C]CCGGAAGCAGCTGGTGTGGGTGAGTGTCCTCGGGGCTGGTGAGGGGACAGCAGCTTCAGT-3'
Protein context (NP_689681.2, residues 618-638): TQANARAIHR[Leu628Pro]RKQLVWQVQE

ClinVar aggregate classification (germline): Uncertain significance (1 of 4 stars; one submission).

Conditions:
Epidermodysplasia verruciformis. Identifiers: Orphanet 302, MedGen C0014522, MONDO:0009176.

Allele frequency attached by ClinVar (database versions not stated): gnomAD exomes below 0.00001.

Submission:

Labcorp Genetics (formerly Invitae), Labcorp
Classification: Uncertain significance for Epidermodysplasia verruciformis. Last evaluated: 2021-11-23. Review status: criteria provided, single submitter. Criteria: Invitae Variant Classification Sherloc (09022015). Collection method: clinical testing. Allele origin: germline.
Comment: In summary, the available evidence is currently insufficient to determine the role of this variant in disease. Therefore, it has been classified as a Variant of Uncertain Significance. Algorithms developed to predict the effect of missense changes on protein structure and function (SIFT, PolyPhen-2, Align-GVGD) all suggest that this variant is likely to be disruptive. This variant has not been reported in the literature in individuals affected with TMC8-related conditions. This variant is not present in population databases (gnomAD no frequency). This sequence change replaces leucine, which is neutral and non-polar, with proline, which is neutral and non-polar, at codon 628 of the TMC8 protein (p.Leu628Pro).